The following is an entry in ClinVar:

NC_000011.9:g.(?_22215039)_(22249152_?)del

Gene: ANO5 (anoctamin 5; plus strand). Cytogenetic location: 11p14.3.
Variant type: Deletion.
Identifiers: ClinVar variation 3244650 (VCV003244650.1).

ClinVar aggregate classification (germline): Pathogenic (1 of 4 stars; one submission).

Conditions:
Autosomal recessive limb-girdle muscular dystrophy type 2L (LGMDR12). Also called: Limb-girdle muscular dystrophy, type 2L; MUSCULAR DYSTROPHY, LIMB-GIRDLE, AUTOSOMAL RECESSIVE 12; Limb-Girdle Muscular Dystrophy R12 Anoctamin-5-Related (LGMD-R12). Identifiers: Orphanet 206549, MedGen C1969785, MONDO:0012652, OMIM 611307.
Gnathodiaphyseal dysplasia (GDD). Also called: GNATHODIAPHYSEAL SCLEROSIS; OSTEOGENESIS IMPERFECTA WITH UNUSUAL SKELETAL LESIONS. Identifiers: Orphanet 53697, MedGen C1833736, MONDO:0008151, OMIM 166260.

Submission:

Labcorp Genetics (formerly Invitae), Labcorp
Classification: Pathogenic for Autosomal recessive limb-girdle muscular dystrophy type 2L; Gnathodiaphyseal dysplasia. Last evaluated: 2023-11-25. Review status: criteria provided, single submitter. Criteria: Invitae Variant Classification Sherloc (09022015). Collection method: clinical testing. Allele origin: unknown.
Comment: This variant is a gross deletion of the genomic region encompassing exon(s) 1-7 of the ANO5 gene, which includes the initiator codon. This deletion extends beyond the assayed region for this gene and therefore may encompass additional genes. It is expected to result in an absent or disrupted protein product. Loss-of-function variants in ANO5 are known to be pathogenic (PMID: 21186264, 23606453, 25891276, 30919934). A similar copy number variant has been observed in individual(s) with clinical features of autosomal recessive ANO5-related myopathies (PMID: 32925086). For these reasons, this variant has been classified as Pathogenic.

Literature cited by the submitters: PubMed 21186264; PubMed 23606453; PubMed 25891276; PubMed 30919934; PubMed 32925086.